The following is an entry in ClinVar:

ClinVar aggregate classification (germline): Likely pathogenic (1 of 4 stars; one submission).

Conditions:
Gaucher disease. Also called: Acute cerebral Gaucher disease; Cerebroside lipidosis syndrome; Gaucher splenomegaly; Sphingolipidosis 1; Glucocerebrosidosis; Glucosylceramidase deficiency. Identifiers: Orphanet 355, MedGen C0017205, MONDO:0018150.

gnomAD v4.1: 1 of 1,610,064 alleles (0.000062%); highest among the groups gnomAD compares: Non-Finnish European, 0.000085%; no homozygotes.

Submission:

Natera, Inc.
Classification: Likely pathogenic for Gaucher disease. Last evaluated: 2025-03-10. Review status: criteria provided, single submitter. Criteria: Natera Variant Classification Schema (03/2026). Collection method: clinical testing. Allele origin: germline.
Comment: The c.1389-3C>G variant in GBA1 is an intronic variant located outside the canonical splice sites. This variant is rare in the general population with a frequency below the threshold expected for the associated phenotype(s). This variant has been observed in one or more individuals affected with the associated recessive disease, as either homozygous or compound heterozygous with a second variant (PMID: 34930372, 17689991, 34280392). Additionally, this variant has been observed to segregate in affected family members (PMID: 17689991). Computational prediction algorithms indicate this variant is likely to affect gene or protein function. Given the available evidence, this variant is classified as Likely Pathogenic.

Literature cited by the submitters: PubMed 34930372; PubMed 17689991; PubMed 34280392.

NM_000157.4(GBA1):c.1389-3C>G

Genes: GBA1 (glucosylceramidase beta 1; minus strand), LOC106627981 (GBA recombination region; plus strand). Cytogenetic location: 1q22.
Variant type: single nucleotide variant.
Coding change: c.1389-3C>G on transcript NM_000157.4 (MANE Select); 3 bases into the intron before coding-DNA position 1389, C replaced by G.
Molecular consequence: intron variant.
Genome position (GRCh38, 1-based): chr1:155,235,314, G>C on the plus strand (C>G on the coding strand, the complement: GBA1 is on the minus strand). VCF-style: chr1-155235314-G-C. GRCh37 (hg19) VCF-style: chr1-155205105-G-C.
Other names: c.1128-3C>G (NM_001171811.2); c.1389-3C>G (NM_001005742.3, NM_001005741.3); c.1242-3C>G (NM_001171812.2).
Identifiers: ClinVar variation 4817722 (VCV004817722.1).